The following is an entry in ClinVar:

ClinVar aggregate classification (germline): Likely benign (1 of 4 stars; one submission).

Submission:

CeGaT Center for Human Genetics Tuebingen
Classification: Likely benign. Last evaluated: 2025-01-01. Review status: criteria provided, single submitter. Criteria: CeGaT Center For Human Genetics Tuebingen Variant Classification Criteria Version 2. Collection method: clinical testing. Allele origin: germline. Affected: yes. Observed: 1 variant allele.
Comment: FAM90A26: BP4, BP7

NM_001358418.3(FAM90A26):c.366C>T (p.Ser122=)

Gene: FAM90A26 (family with sequence similarity 90 member A26; plus strand). Cytogenetic location: 4p16.1.
Variant type: single nucleotide variant.
Coding change: c.366C>T on transcript NM_001358418.3 (MANE Select); coding-DNA position 366, C replaced by T.
Protein change: p.Ser122=; no amino-acid change (serine 122 retained).
Molecular consequence: synonymous variant.
Genome position (GRCh38, 1-based): chr4:9,174,490, C>T. VCF-style: chr4-9174490-C-T. GRCh37 (hg19) VCF-style: chr4-9176216-C-T.
Identifiers: ClinVar variation 3771025 (VCV003771025.13).